The following is an entry in ClinVar:

ClinVar aggregate classification (germline): Likely benign (1 of 4 stars; one submission).

Submission:

GeneDx
Classification: Likely benign. Last evaluated: 2016-11-23. Review status: criteria provided, single submitter. Criteria: GeneDx Variant Classification (06012015). Collection method: clinical testing. Allele origin: germline. Affected: yes.
Comment: This variant is considered likely benign or benign based on one or more of the following criteria: it is a conservative change, it occurs at a poorly conserved position in the protein, it is predicted to be benign by multiple in silico algorithms, and/or has population frequency not consistent with disease.

NM_001164508.2(NEB):c.12970G>A (p.Asp4324Asn)

Gene: NEB (nebulin; minus strand). Cytogenetic location: 2q23.3.
Variant type: single nucleotide variant.
Coding change: c.12970G>A on transcript NM_001164508.2 (MANE Select); coding-DNA position 12970, G replaced by A.
Protein change: p.Asp4324Asn; replaces aspartic acid 4324 with asparagine.
Molecular consequence: missense variant. On other transcripts: intron variant (1).
Genome position (GRCh38, 1-based): chr2:151,604,649, C>T on the plus strand (G>A on the coding strand, the complement: NEB is on the minus strand). VCF-style: chr2-151604649-C-T. GRCh37 (hg19) VCF-style: chr2-152461163-C-T.
Other names: c.12970G>A, p.Asp4324Asn (NM_001164507.2, NM_001271208.2); c.11601+5160G>A (NM_004543.5); short protein forms D4324N.
Identifiers: ClinVar variation 390973 (VCV000390973.1), dbSNP rs1057523936, ClinGen allele CA16603791.